The following continues an entry in ClinVar:

NM_001034853.2(RPGR):c.3092del (p.Glu1031fs)

Gene: RPGR. ClinVar aggregate classification (germline): Pathogenic. Pathogenic (1).

Submissions 10 to 14 of 14:

Broad Center for Mendelian Genomics, Broad Institute of MIT and Harvard
Classification: Pathogenic for Retinitis pigmentosa. Last evaluated: 2021-04-01. Review status: criteria provided, single submitter. Criteria: ACMG Guidelines, 2015. Collection method: curation. Allele origin: germline. Inheritance: X-linked inheritance. Affected: yes. Not counted in ClinVar's aggregate classification.
Comment: Through a review of available evidence we were able to apply the following criteria: PVS1, PP3, PM2, PP1-M. Based on this evidence we have classified this variant as Pathogenic. If you have any questions about the classification please reach out to the Pierce Lab.

Institute of Human Genetics, Univ. Regensburg, Univ. Regensburg
Classification: Pathogenic for Retinal dystrophy. Last evaluated: 2021-01-01. Review status: criteria provided, single submitter. Criteria: ACMG Guidelines, 2015. Collection method: clinical testing. Allele origin: germline. Affected: yes. Not counted in ClinVar's aggregate classification.

PreventionGenetics, part of Exact Sciences
Classification: Pathogenic. Last evaluated: 2019-11-13. Review status: criteria provided, single submitter. Criteria: ACMG Guidelines, 2015. Collection method: clinical testing. Allele origin: germline. Not counted in ClinVar's aggregate classification.

Blueprint Genetics
Classification: Pathogenic for Retinal dystrophy. Last evaluated: 2019-06-29. Review status: criteria provided, single submitter. Criteria: Blueprint Genetics Variant Classification Scheme. Collection method: clinical testing. Allele origin: germline. Affected: yes. Not counted in ClinVar's aggregate classification.

Blueprint Genetics
Classification: Pathogenic for Retinitis pigmentosa 3. Review status: no assertion criteria provided. Collection method: clinical testing. Allele origin: germline. Affected: yes. Not counted in ClinVar's aggregate classification.

Literature cited by the submitters: PubMed 12657579 (cited by Labcorp Genetics (formerly Invitae), Labcorp and Institute of Human Genetics, Univ. Regensburg, Univ. Regensburg); PubMed 18332319 (cited by Labcorp Genetics (formerly Invitae), Labcorp and Institute of Human Genetics, Univ. Regensburg, Univ. Regensburg); PubMed 31804667 (cited by Labcorp Genetics (formerly Invitae), Labcorp and Institute of Human Genetics, Univ. Regensburg, Univ. Regensburg); PubMed 22264887 (cited by Labcorp Genetics (formerly Invitae), Labcorp); PubMed 10932196 (cited by Victorian Clinical Genetics Services, Murdoch Childrens Research Institute); PubMed 14691151 (cited by Victorian Clinical Genetics Services, Murdoch Childrens Research Institute); PubMed 17195164 (cited by Victorian Clinical Genetics Services, Murdoch Childrens Research Institute); PubMed 23372056 (cited by Victorian Clinical Genetics Services, Murdoch Childrens Research Institute); PubMed 23681342 (cited by Victorian Clinical Genetics Services, Murdoch Childrens Research Institute); PubMed 27620828 (cited by Victorian Clinical Genetics Services, Murdoch Childrens Research Institute); PubMed 27995965 (cited by Victorian Clinical Genetics Services, Murdoch Childrens Research Institute); PubMed 30193314 (cited by Victorian Clinical Genetics Services, Murdoch Childrens Research Institute); PubMed 31953110 (cited by Victorian Clinical Genetics Services, Murdoch Childrens Research Institute); PubMed 31645972 (cited by Ocular Genomics Institute, Massachusetts Eye and Ear and Broad Center for Mendelian Genomics, Broad Institute of MIT and Harvard); PubMed 34906470 (cited by Broad Center for Mendelian Genomics, Broad Institute of MIT and Harvard); PubMed 33355362 (cited by Institute of Human Genetics, Univ. Regensburg, Univ. Regensburg); PubMed 32795431 (cited by Institute of Human Genetics, Univ. Regensburg, Univ. Regensburg); PubMed 34745198 (cited by Institute of Human Genetics, Univ. Regensburg, Univ. Regensburg); PubMed 36460718 (cited by Institute of Human Genetics, Univ. Regensburg, Univ. Regensburg); PubMed 35806195 (cited by Institute of Human Genetics, Univ. Regensburg, Univ. Regensburg); PubMed 34985506 (cited by Institute of Human Genetics, Univ. Regensburg, Univ. Regensburg).